The following is an entry in ClinVar:

NM_002230.4(JUP):c.406G>T (p.Asp136Tyr)

Gene: JUP (junction plakoglobin; minus strand). Cytogenetic location: 17q21.2.
Variant type: single nucleotide variant.
Coding change: c.406G>T on transcript NM_002230.4 (MANE Select); coding-DNA position 406, G replaced by T.
Protein change: p.Asp136Tyr; replaces aspartic acid 136 with tyrosine.
Molecular consequence: missense variant.
Genome position (GRCh38, 1-based): chr17:41,769,480, C>A on the plus strand (G>T on the coding strand, the complement: JUP is on the minus strand). VCF-style: chr17-41769480-C-A. GRCh37 (hg19) VCF-style: chr17-39925732-C-A.
Other names: c.406G>T, p.Asp136Tyr (NM_001352773.2, NM_001352774.2, NM_001352775.2 and 3 more transcripts); short protein forms D136Y.
Identifiers: ClinVar variation 567920 (VCV000567920.6), dbSNP rs782392706, ClinGen allele CA399505019.

ClinVar aggregate classification (germline): Uncertain significance (1 of 4 stars; one submission).

Conditions:
Arrhythmogenic right ventricular dysplasia 12. Also called: ARRHYTHMOGENIC RIGHT VENTRICULAR DYSPLASIA, FAMILIAL, 12. Identifiers: MedGen C1969081, MONDO:0012684, OMIM 611528.
Naxos disease (NXD). Also called: KERATOSIS PALMOPLANTARIS WITH ARRHYTHMOGENIC CARDIOMYOPATHY; MAL DE NAXOS; PALMOPLANTAR KERATODERMA WITH ARRHYTHMOGENIC RIGHT VENTRICULAR CARDIOMYOPATHY AND WOOLLY HAIR; CARDIOMYOPATHY, ARRHYTHMOGENIC RIGHT VENTRICULAR, WITH SKIN, HAIR, AND NAIL ABNORMALITIES; WOOLLY HAIR, PALMOPLANTAR KERATODERMA, AND CARDIAC ABNORMALITIES. Identifiers: Orphanet 34217, MedGen C1832600, MONDO:0011017, OMIM 601214.

Submission:

Labcorp Genetics (formerly Invitae), Labcorp
Classification: Uncertain significance for Arrhythmogenic right ventricular dysplasia 12; Naxos disease. Last evaluated: 2018-04-20. Review status: criteria provided, single submitter. Criteria: Invitae Variant Classification Sherloc (09022015). Collection method: clinical testing. Allele origin: germline.
Comment: This sequence change replaces aspartic acid with tyrosine at codon 136 of the JUP protein (p.Asp136Tyr). The aspartic acid residue is moderately conserved and there is a large physicochemical difference between aspartic acid and tyrosine. This variant is not present in population databases (ExAC no frequency). This variant has not been reported in the literature in individuals with JUP-related disease. Algorithms developed to predict the effect of missense changes on protein structure and function do not agree on the potential impact of this missense change (SIFT: "Deleterious"; PolyPhen-2: "Probably Damaging"; Align-GVGD: "Class C0"). In summary, the available evidence is currently insufficient to determine the role of this variant in disease. Therefore, it has been classified as a Variant of Uncertain Significance.